The following is an entry in ClinVar:

ClinVar aggregate classification (germline): Likely pathogenic (1 of 4 stars; one submission).

Conditions:
Cystic fibrosis (CF). Also called: MUCOVISCIDOSIS. Identifiers: Orphanet 586, MedGen C0010674, MONDO:0009061, OMIM 219700. Disease mechanism: loss of function.

Submission:

Myriad Genetics, Inc.
Classification: Likely pathogenic for Cystic fibrosis. Last evaluated: 2022-03-30. Review status: criteria provided, single submitter. Criteria: Myriad Women's Health Autosomal Recessive and X-Linked Classification Criteria (2021). Collection method: clinical testing. Allele origin: unknown.
Comment: NM_000492.3(CFTR):c.3168delT(T1057Qfs*3) is expected to be pathogenic in the context of cystic fibrosis. This variant is predicted to lead to an abnormal or absent protein product due to the creation of a premature termination codon in CFTR, a gene where loss-of-function variants are known to be pathogenic. Please note: this variant was assessed in the context of healthy population screening.

NM_000492.4(CFTR):c.3168del (p.Thr1057fs)

Genes: CFTR (CF transmembrane conductance regulator; plus strand), CFTR-AS2 (CFTR antisense RNA 2; minus strand), LOC111674472 (DNase I hypersensitive sites in introns 16 and 17a of CFTR; plus strand). Cytogenetic location: 7q31.2.
Variant type: Deletion.
Coding change: c.3168del on transcript NM_000492.4 (MANE Select); coding-DNA position 3168, one base deleted (T; older notation c.3168delT).
Protein change: p.Thr1057fs; shifts the reading frame from threonine 1057.
Molecular consequence: frameshift variant.
Genome position (GRCh38, 1-based): chr7:117,611,609, T deleted; the last of 2 consecutive T bases (chr7:117,611,608-117,611,609); deleting either gives the same sequence. VCF-style (leftmost placement, unchanged base first): chr7-117611607-GT-G. GRCh37 (hg19) VCF-style: chr7-117251661-GT-G.
Other names: short protein forms T1057fs.
Identifiers: ClinVar variation 1725579 (VCV001725579.2), dbSNP rs2485130236, ClinGen allele CA2580076363.